The following is an entry in ClinVar:

NM_007194.4(CHEK2):c.1368dup (p.Glu457fs)

Gene: CHEK2 (checkpoint kinase 2; minus strand). Cytogenetic location: 22q12.1.
Variant type: Duplication.
Coding change: c.1368dup on transcript NM_007194.4 (MANE Select); coding-DNA position 1368, one base duplicated (A; older notation c.1368dupA).
Protein change: p.Glu457fs; shifts the reading frame from glutamic acid 457.
Molecular consequence: frameshift variant.
Genome position (GRCh38, 1-based): chr22:28,695,134, T duplicated on the plus strand (A on the coding strand, the reverse complement: CHEK2 is on the minus strand). VCF-style (leftmost placement, unchanged base first): chr22-28695133-C-CT. GRCh37 (hg19) VCF-style: chr22-29091121-C-CT.
Other names: p.Glu457Argfs*33; c.1368dupA (NM_007194.4); c.1368dup (NM_007194.3); c.1497dupA (NM_001005735.1); c.1281dup, p.Glu428Argfs (NM_145862.3); c.705dup, p.Glu236Argfs (NM_001257387.3); c.1167dup, p.Glu390Argfs (NM_001349956.3); c.1497dup, p.Glu500Argfs (NM_001005735.3); short protein forms E428fs, E500fs, E236fs, E390fs, E457fs.
Identifiers: ClinVar variation 182450 (VCV000182450.58), dbSNP rs730881700, ClinGen allele CA299109.

ClinVar aggregate classification (germline): Pathogenic/Likely pathogenic. Review status: criteria provided, multiple submitters, no conflicts (2 of 4 stars). 21 submissions from 21 submitters: Pathogenic (17); Likely pathogenic (2). 2 of the submissions do not count toward it. Last evaluated 2026-02-11.

Conditions:
Predisposition to cancer.
CHEK2-related cancer predisposition (TPDS4). Also called: CHEK2-related cancer susceptibility; TUMOR PREDISPOSITION SYNDROME 4; CANCER PREDISPOSITION SYNDROME, CHEK2-RELATED. Identifiers: Orphanet 524, MedGen C5882668, MONDO:0700271, OMIM 609265.
Familial prostate cancer. Also called: Hereditary Prostate Cancer. Identifiers: MedGen C2931456, MONDO:0700275, OMIM 176807.
Bone osteosarcoma. Also called: Osteosarcoma, somatic. Identifiers: Orphanet 668, MedGen C0585442, MONDO:0002629, OMIM 259500.
Inherited breast cancer and ovarian cancer.
CHEK2-related disorder.
Hereditary cancer-predisposing syndrome. Also called: Hereditary Cancer Syndrome; Neoplastic Syndromes, Hereditary; Tumor predisposition; Hereditary neoplastic syndrome. Identifiers: Orphanet 140162, MedGen C0027672, MeSH D009386, MONDO:0015356.
Familial cancer of breast. Also called: Hereditary breast cancer; hereditary breast carcinoma; BREAST CANCER, FAMILIAL. Identifiers: Orphanet 227535, MedGen C0346153, MONDO:0016419, OMIM 114480. Disease mechanism: loss of function.

Allele frequency attached by ClinVar (database versions not stated): gnomAD exomes 0.00002 and 0.00003; gnomAD 0.00003 and 0.00004; TOPMed 0.00003; ExAC 0.00005; ESP Exome Variant Server 0.00008.

Submissions 1 to 9 of 21:

St. Jude Molecular Pathology, St. Jude Children's Research Hospital
Classification: Pathogenic for Predisposition to cancer. Last evaluated: 2026-02-11. Review status: criteria provided, single submitter. Criteria: St. Jude Assertion Criteria 2020. Collection method: clinical testing. Allele origin: germline.
Comment: The CHEK2 c.1368dup p.(Glu457ArgfsTer33) duplicates one nucleotide to cause a frameshift and the creation of premature stop codon. This change is predicted to cause protein truncation or absence of protein due to nonsense-mediated decay. Functional studies in vitro and in breast cancer tumor tissue have showed that this variant results in mislocalization of the protein from the nucleus into the cytoplasm (PMID: 15361853). This variant has been reported in individuals with breast cancer, ovarian cancer, colorectal cancer as well as control individuals (PMID: 26681312, 28724667, 29625052, 33047316, 34326862, 30322717, 28944238, 36551643). This variant has a maximum subpopulation frequency of 0.0044% in gnomAD v2.1.1. In summary, this variant meets criteria to be classified as pathogenic.

Labcorp Genetics (formerly Invitae), Labcorp
Classification: Pathogenic for Familial cancer of breast. Last evaluated: 2026-02-02. Review status: criteria provided, single submitter. Criteria: Invitae Variant Classification Sherloc (09022015). Collection method: clinical testing. Allele origin: germline.
Comment: This sequence change creates a premature translational stop signal (p.Glu457Argfs*33) in the CHEK2 gene. It is expected to result in an absent or disrupted protein product. Loss-of-function variants in CHEK2 are known to be pathogenic (PMID: 21876083, 24713400). This variant is present in population databases (rs730881700, gnomAD 0.004%). This premature translational stop signal has been observed in individual(s) with breast cancer (PMID: 26681312, 26976419, 28724667). ClinVar contains an entry for this variant (Variation ID: 182450). For these reasons, this variant has been classified as Pathogenic.

Institute of Human Genetics, Heidelberg University
Classification: Likely pathogenic for CHEK2-related cancer predisposition. Last evaluated: 2025-12-17. Review status: criteria provided, single submitter. Criteria: ACMG Guidelines, 2015. Collection method: clinical testing. Allele origin: paternal. Observed: 2 variant alleles.
Comment: PVS1_str, PS3_supp, PM2_supp

Institute for Genomic Medicine (IGM) Clinical Laboratory, Nationwide Children's Hospital
Classification: Pathogenic for CHEK2-related cancer predisposition. Last evaluated: 2025-11-06. Review status: criteria provided, single submitter. Criteria: ACMG Guidelines, 2015. Collection method: clinical testing. Allele origin: germline.
Comment: This variant is predicted to result in loss of function through nonsense-mediated decay of the encoded transcript or premature truncation of the encoded protein in a gene in which loss of function is a known mechanism of disease (ACMG/AMP: PVS1; PMIDs:15361853, 24879340, 26681312, 31948886, 36551643). Well-established functional studies have demonstrated this variant to have a damaging effect on protein function or splicing (ACMG/AMP: PS3_Moderate; PMID:15361853). This variant has been reported at an elevated frequency in affected individuals/in multiple affected individuals in the literature (ACMG/AMP: PS4_Supporting; PMIDs:15361853, 18725978, 26681312, 26976419, 27751358, 33925588). This variant is absent from or present at an exceedingly low frequency in gnomAD, a large-scale control population database (ACMG/AMP: PM2).

Genetics Laboratory, Great Ormond Street Hospital NHS Foundation Trust, North Thames Genomic Laboratory Hub
Classification: Likely pathogenic for Inherited breast cancer and ovarian cancer. Last evaluated: 2025-10-08. Review status: criteria provided, single submitter. Criteria: CanVIG CHEK2 Gene Specific V1.2. Collection method: clinical testing. Allele origin: germline. Affected: yes.
Comment: PVS1_very-strong, PM5_supporting

Mayo Clinic Laboratories, Mayo Clinic
Classification: Pathogenic. Last evaluated: 2025-08-06. Review status: criteria provided, single submitter. Criteria: ACMG Guidelines, 2015. Collection method: clinical testing. Allele origin: germline. Observed: 1 variant allele.
Comment: PP4, PP5, PVS1

Quest Diagnostics Nichols Institute San Juan Capistrano
Classification: Pathogenic. Last evaluated: 2025-07-24. Review status: criteria provided, single submitter. Criteria: Quest Diagnostics criteria. Collection method: clinical testing. Allele origin: unknown.
Comment: The CHEK2 c.1368dup (p.Glu457Argfs*33) variant alters the translational reading frame of the CHEK2 mRNA and causes the premature termination of CHEK2 protein synthesis. This variant has been reported in the published literature in individuals with breast cancer (PMID: 26976419 (2016), 28724667 (2017), 29625052 (2018), 34326862 (2021)) and ovarian cancer (PMID: 30322717 (2018)). Assessment of experimental evidence suggests this variant results in abnormal protein function (PMID: 15361853 (2004)). The frequency of this variant in the general population (Genome Aggregation Database) is consistent with pathogenicity. Based on the available information, this variant is classified as pathogenic.

PreventionGenetics, part of Exact Sciences
Classification: Pathogenic for CHEK2-related condition. Last evaluated: 2025-07-11. Review status: criteria provided, single submitter. Criteria: ACMG Guidelines, 2015. Collection method: clinical testing. Allele origin: germline.
Comment: The CHEK2 c.1368dupA variant is predicted to result in a frameshift and premature protein termination (p.Glu457Argfs*33). This variant was reported in individuals with breast cancer (Table S1, Susswein et al. 2016. PubMed ID: 26681312; Table S3, Sun et al. 2017. PubMed ID: 28724667), ovarian cancer (Table S1, Carter et al. 2018. PubMed ID: 30322717), and colorectal cancer (referred to as c.1497_1498insA in Table S1, DeRycke et al. 2017. PubMed ID: 28944238). This variant is reported in 0.0044% of alleles in individuals of European (Non-Finnish) descent in gnomAD and is interpreted as likely pathogenic/pathogenic in ClinVar. Frameshift variants in CHEK2 are expected to be pathogenic. This variant is interpreted as pathogenic.

Molecular Diagnostics Laboratory, Catalan Institute of Oncology
Classification: Pathogenic for Hereditary cancer-predisposing syndrome. Last evaluated: 2025-04-23. Review status: criteria provided, single submitter. Criteria: ACMG Guidelines, 2015. Collection method: clinical testing. Allele origin: germline.
Comment: PVS1, PM2_Supporting, PS3_Supporting c.1368dup, located in exon 12 of the CHEK2 gene, consists in the duplication of 1 nucleotide causing a translational frameshift with a predicted alternate stop codon, p.(Glu457Argfs*33). This alteration is expected to result in loss of function by premature protein truncation and nonsense-mediated mRNA decay (PVS1). The SpliceAI algorithm predicts no significant impact on splicing. The variant allele was found in 4/236504 alleles, with a filter allele frequency of 0.0008% at 99% confidence, within the European Non-Finnish population in the gnomAD v2.1.1 database (non-cancer data set)(PM2_Supporting). Functional studies of this variant demonstrate a damaging effect, losing the kinase activity (PMID: 18725978, PMID: 15361853)(PS3_Supporting).In addition, it has been reported in the ClinVar database (12x pathogenic, 2x likely pathogenic) and in the LOVD database (4x pathogenic, 2x not classified). Based on currently available information, the variant c.358dup is considered a pathogenic variant according to ACMG guidelines.